The following is an entry in ClinVar:

ClinVar aggregate classification (germline): Uncertain significance (1 of 4 stars; one submission).

Conditions:
Inborn genetic diseases. Identifiers: MedGen C0950123, MeSH D030342.

Submission:

Ambry Genetics
Classification: Uncertain significance for Inborn genetic diseases. Last evaluated: 2021-04-08. Review status: criteria provided, single submitter. Criteria: Ambry Variant Classification Scheme 2023. Collection method: clinical testing. Allele origin: germline.
Comment: The c.6833C>A (p.A2278D) alteration is located in exon 44 (coding exon 44) of the UNC80 gene. This alteration results from a C to A substitution at nucleotide position 6833, causing the alanine (A) at amino acid position 2278 to be replaced by an aspartic acid (D). The in silico prediction for the p.A2278D alteration is inconclusive. Based on insufficient or conflicting evidence, the clinical significance of this alteration remains unclear.

NM_001371986.1(UNC80):c.7031C>A (p.Ala2344Asp)

Gene: UNC80 (unc-80 homolog, NALCN channel complex subunit; plus strand). Cytogenetic location: 2q34.
Variant type: single nucleotide variant.
Coding change: c.7031C>A on transcript NM_001371986.1 (MANE Select); coding-DNA position 7031, C replaced by A.
Protein change: p.Ala2344Asp; replaces alanine 2344 with aspartic acid.
Molecular consequence: missense variant.
Genome position (GRCh38, 1-based): chr2:209,943,495, C>A. VCF-style: chr2-209943495-C-A. GRCh37 (hg19) VCF-style: chr2-210808219-C-A.
Other names: c.6833C>A, p.Ala2278Asp (NM_032504.2); c.6818C>A, p.Ala2273Asp (NM_182587.4); short protein forms A2344D, A2273D, A2278D.
Identifiers: ClinVar variation 2229607 (VCV002229607.2), dbSNP rs2124981682, ClinGen allele CA350773599.